The following is an entry in ClinVar:

ClinVar aggregate classification (germline): Uncertain significance (1 of 4 stars; one submission).

Conditions:
EGFR-related lung cancer (EGFR). Identifiers: MedGen CN130014.

Submission:

Labcorp Genetics (formerly Invitae), Labcorp
Classification: Uncertain significance for EGFR-related lung cancer. Last evaluated: 2021-06-22. Review status: criteria provided, single submitter. Criteria: Invitae Variant Classification Sherloc (09022015). Collection method: clinical testing. Allele origin: germline.
Comment: In summary, the available evidence is currently insufficient to determine the role of this variant in disease. Therefore, it has been classified as a Variant of Uncertain Significance. Algorithms developed to predict the effect of missense changes on protein structure and function (SIFT, PolyPhen-2, Align-GVGD) all suggest that this variant is likely to be tolerated, but these predictions have not been confirmed by published functional studies and their clinical significance is uncertain. This variant has not been reported in the literature in individuals with EGFR-related conditions. This variant is not present in population databases (ExAC no frequency). This sequence change replaces asparagine with aspartic acid at codon 540 of the EGFR protein (p.Asn540Asp). The asparagine residue is moderately conserved and there is a small physicochemical difference between asparagine and aspartic acid.

NM_005228.5(EGFR):c.1618A>G (p.Asn540Asp)

Gene: EGFR (epidermal growth factor receptor; plus strand). Cytogenetic location: 7p11.2.
Variant type: single nucleotide variant.
Coding change: c.1618A>G on transcript NM_005228.5 (MANE Select); coding-DNA position 1618, A replaced by G.
Protein change: p.Asn540Asp; replaces asparagine 540 with aspartic acid.
Molecular consequence: missense variant.
Genome position (GRCh38, 1-based): chr7:55,161,618, A>G. VCF-style: chr7-55161618-A-G. GRCh37 (hg19) VCF-style: chr7-55229311-A-G.
Other names: c.1483A>G, p.Asn495Asp (NM_001346897.2, NM_001346899.2); c.1618A>G, p.Asn540Asp (NM_001346898.2, NM_201282.2, NM_201284.2); c.1459A>G, p.Asn487Asp (NM_001346900.2); c.817A>G, p.Asn273Asp (NM_001346941.2); short protein forms N540D, N273D, N495D, N487D.
Identifiers: ClinVar variation 1402245 (VCV001402245.8), dbSNP rs2128943060, ClinGen allele CA367580018.